The following is an entry in ClinVar:

ClinVar aggregate classification (germline): Benign (1 of 4 stars; one submission).

Allele frequency attached by ClinVar (database versions not stated): 1000 Genomes Project 0.28768; 1000 Genomes Project 30x 0.28824; TOPMed 0.30192; gnomAD 0.30759 and 0.30883.
gnomAD v4.1: 33,876 of 110,654 alleles (31%); highest among the groups gnomAD compares: Non-Finnish European, 34%; 3,947 homozygotes.

Submission:

GeneDx
Classification: Benign. Last evaluated: 2018-06-14. Review status: criteria provided, single submitter. Criteria: GeneDx Variant Classification (06012015). Collection method: clinical testing. Allele origin: germline. Affected: yes.
Comment: This variant is considered likely benign or benign based on one or more of the following criteria: it is a conservative change, it occurs at a poorly conserved position in the protein, it is predicted to be benign by multiple in silico algorithms, and/or has population frequency not consistent with disease.

NM_004006.3(DMD):c.7098+156G>C

Gene: DMD (dystrophin; minus strand). Cytogenetic location: Xp21.1.
Variant type: single nucleotide variant.
Coding change: c.7098+156G>C on transcript NM_004006.3 (MANE Select); 156 bases into the intron after coding-DNA position 7098, G replaced by C.
Molecular consequence: intron variant.
Genome position (GRCh38, 1-based): chrX:31,875,032, C>G on the plus strand (G>C on the coding strand, the complement: DMD is on the minus strand). VCF-style: chrX-31875032-C-G. GRCh37 (hg19) VCF-style: chrX-31893149-C-G.
Other names: c.7074+156G>C (NM_000109.4); c.3075+156G>C (NM_004011.4); c.3066+156G>C (NM_004012.4); c.-283+156G>C (NM_004023.3, NM_004020.4, NM_004022.3 and 2 more transcripts); c.7086+156G>C (NM_004009.3); c.6729+156G>C (NM_004010.3).
Identifiers: ClinVar variation 674303 (VCV000674303.1), dbSNP rs5972454, ClinGen allele CA16010095.